The following is an entry in ClinVar:

NM_002439.5(MSH3):c.1308_1309insAA (p.Glu437fs)

Gene: MSH3 (mutS homolog 3; plus strand). Cytogenetic location: 5q14.1.
Variant type: Insertion.
Coding change: c.1308_1309insAA on transcript NM_002439.5 (MANE Select); coding-DNA positions 1308 to 1309, AA inserted.
Protein change: p.Glu437fs; shifts the reading frame from glutamic acid 437.
Molecular consequence: frameshift variant.
Genome position: GRCh38 VCF-style: chr5-80679060-C-CAA. GRCh37 (hg19) VCF-style: chr5-79974879-C-CAA.
Other names: short protein forms E437fs.
Identifiers: ClinVar variation 2673935 (VCV002673935.3), dbSNP rs2546726675, ClinGen allele CA2695198657.
Genomic context (GRCh38, chr5:80,679,060, plus strand): 5'-CCCGGATGTCAAGCCTGCAGCCAGTAGAGCTGCTGCTTCCTTCGGCCTTGTCCGAGCAAA[C>CAA]AGAGGCGCTCATCCACAGAGCCACATCTGTTAGGTAAGTTGGCACATCACTGGAATATAA-3'

ClinVar aggregate classification (germline): Pathogenic/Likely pathogenic. Review status: criteria provided, multiple submitters, no conflicts (2 of 4 stars). 3 submissions from 3 submitters: Pathogenic (2); Likely pathogenic (1). Last evaluated 2023-11-29.

Conditions:
Endometrial carcinoma. Also called: Endometrial carcinoma, somatic. Identifiers: MedGen C0476089, MONDO:0002447, OMIM 608089, HP:0012114.
Familial adenomatous polyposis 4 (FAP4). Also called: MSH3-related attenuated familial adenomatous polyposis. Identifiers: Orphanet 480536, MedGen C4310719, MONDO:0044300, OMIM 617100.

Submissions (3):

Myriad Genetics, Inc.
Classification: Pathogenic for Familial adenomatous polyposis 4. Last evaluated: 2023-11-29. Review status: criteria provided, single submitter. Criteria: Myriad Autosomal Dominant, Autosomal Recessive and X-Linked Classification Criteria (2023). Collection method: clinical testing. Allele origin: unknown.
Comment: This variant is considered pathogenic. This variant creates a frameshift predicted to result in premature protein truncation.

Department of Pathology and Laboratory Medicine, Sinai Health System
Classification: Pathogenic for Familial adenomatous polyposis 4. Last evaluated: 2023-10-02. Review status: criteria provided, single submitter. Criteria: ACMG Guidelines, 2015. Collection method: clinical testing. Allele origin: germline. Affected: yes.

Baylor Genetics
Classification: Likely pathogenic for Endometrial carcinoma. Last evaluated: 2022-04-13. Review status: criteria provided, single submitter. Criteria: ACMG Guidelines, 2015. Collection method: clinical testing. Allele origin: unknown.